The following is an entry in ClinVar:

ClinVar aggregate classification (germline): Uncertain significance (1 of 4 stars; one submission).

Allele frequency attached by ClinVar (database versions not stated): gnomAD exomes below 0.00001.
gnomAD v4.1: 1 of 1,614,136 alleles (0.000062%); highest among the groups gnomAD compares: Non-Finnish European, 0.000085%; no homozygotes.

Submission:

Labcorp Genetics (formerly Invitae), Labcorp
Classification: Uncertain significance. Last evaluated: 2022-07-12. Review status: criteria provided, single submitter. Criteria: Invitae Variant Classification Sherloc (09022015). Collection method: clinical testing. Allele origin: germline.
Comment: ClinVar contains an entry for this variant (Variation ID: 1350841). This variant has not been reported in the literature in individuals affected with PMP2-related conditions. This variant is not present in population databases (gnomAD no frequency). This sequence change replaces glutamine, which is neutral and polar, with arginine, which is basic and polar, at codon 96 of the PMP2 protein (p.Gln96Arg). Algorithms developed to predict the effect of missense changes on protein structure and function are either unavailable or do not agree on the potential impact of this missense change (SIFT: "Tolerated"; PolyPhen-2: "Probably Damaging"; Align-GVGD: "Class C0"). In summary, the available evidence is currently insufficient to determine the role of this variant in disease. Therefore, it has been classified as a Variant of Uncertain Significance.

NM_002677.5(PMP2):c.287A>G (p.Gln96Arg)

Gene: PMP2 (peripheral myelin protein 2; minus strand). Cytogenetic location: 8q21.13.
Variant type: single nucleotide variant.
Coding change: c.287A>G on transcript NM_002677.5 (MANE Select); coding-DNA position 287, A replaced by G.
Protein change: p.Gln96Arg; replaces glutamine 96 with arginine.
Molecular consequence: missense variant. On other transcripts: synonymous variant (1).
Genome position (GRCh38, 1-based): chr8:81,444,561, T>C on the plus strand (A>G on the coding strand, the complement: PMP2 is on the minus strand). VCF-style: chr8-81444561-T-C. GRCh37 (hg19) VCF-style: chr8-82356796-T-C.
Other names: c.114A>G, p.Ala38= (NM_001348381.2); short protein forms Q96R.
Identifiers: ClinVar variation 1350841 (VCV001350841.6), dbSNP rs2129706512, ClinGen allele CA371517373.